The following is an entry in ClinVar:

NM_021942.6(TRAPPC11):c.1466G>A (p.Trp489Ter)

Gene: TRAPPC11 (trafficking protein particle complex subunit 11; plus strand). Cytogenetic location: 4q35.1.
Variant type: single nucleotide variant.
Coding change: c.1466G>A on transcript NM_021942.6 (MANE Select); coding-DNA position 1466, G replaced by A.
Protein change: p.Trp489Ter; replaces tryptophan 489 with a stop codon.
Molecular consequence: nonsense.
Genome position (GRCh38, 1-based): chr4:183,684,740, G>A. VCF-style: chr4-183684740-G-A. GRCh37 (hg19) VCF-style: chr4-184605893-G-A.
Other names: c.1466G>A, p.Trp489Ter (NM_199053.3); short protein forms W489*.
Identifiers: ClinVar variation 1452398 (VCV001452398.8), dbSNP rs1735877322, ClinGen allele CA358867323.

ClinVar aggregate classification (germline): Pathogenic/Likely pathogenic. Review status: criteria provided, multiple submitters, no conflicts (2 of 4 stars). 3 submissions from 3 submitters: Pathogenic (2); Likely pathogenic (1). Last evaluated 2026-03-13.

Conditions:
Autosomal recessive limb-girdle muscular dystrophy type R18 (LGMDR18). Also called: Limb-girdle muscular dystrophy, type 2S; MUSCULAR DYSTROPHY, LIMB-GIRDLE, AUTOSOMAL RECESSIVE 18; Autosomal recessive limb-girdle muscular dystrophy type 2S. Identifiers: Orphanet 369840, MedGen C4517996, MONDO:0014144, OMIM 615356.

Allele frequency attached by ClinVar (database versions not stated): gnomAD exomes below 0.00001.
gnomAD v4.1: 4 of 1,613,868 alleles (0.00025%); highest among the groups gnomAD compares: East Asian, 0.0022%; no homozygotes.

Submissions (3):

Women's Health and Genetics/Laboratory Corporation of America, LabCorp
Classification: Pathogenic for Autosomal recessive limb-girdle muscular dystrophy type R18. Last evaluated: 2026-03-13. Review status: criteria provided, single submitter. Criteria: LabCorp Variant Classification Summary - May 2015. Collection method: clinical testing. Allele origin: germline.
Comment: Variant summary: TRAPPC11 c.1466G>A (p.Trp489X) results in a premature termination codon, predicted to cause a truncation of the encoded protein or absence of the protein due to nonsense mediated decay, which are commonly known mechanisms for disease. The variant was absent in 251396 control chromosomes. To our knowledge, no occurrence of c.1466G>A in individuals affected with TRAPPC11-related conditions and no experimental evidence demonstrating its impact on protein function have been reported. ClinVar contains an entry for this variant (Variation ID: 1452398). Based on the evidence outlined above, the variant was classified as pathogenic.

Fulgent Genetics
Classification: Likely pathogenic for Autosomal recessive limb-girdle muscular dystrophy type R18. Last evaluated: 2024-03-26. Review status: criteria provided, single submitter. Criteria: ACMG Guidelines, 2015. Collection method: clinical testing. Allele origin: germline.

Labcorp Genetics (formerly Invitae), Labcorp
Classification: Pathogenic for Autosomal recessive limb-girdle muscular dystrophy type R18. Last evaluated: 2021-11-06. Review status: criteria provided, single submitter. Criteria: Invitae Variant Classification Sherloc (09022015). Collection method: clinical testing. Allele origin: germline.
Comment: This sequence change creates a premature translational stop signal (p.Trp489*) in the TRAPPC11 gene. It is expected to result in an absent or disrupted protein product. Loss-of-function variants in TRAPPC11 are known to be pathogenic (PMID: 23830518, 26322222). For these reasons, this variant has been classified as Pathogenic. This variant has not been reported in the literature in individuals affected with TRAPPC11-related conditions. This variant is not present in population databases (gnomAD no frequency).

Literature cited by the submitters: PubMed 23830518 (cited by Labcorp Genetics (formerly Invitae), Labcorp); PubMed 26322222 (cited by Labcorp Genetics (formerly Invitae), Labcorp).